The following is an entry in ClinVar:

ClinVar aggregate classification (germline): Uncertain significance. Review status: criteria provided, multiple submitters, no conflicts (2 of 4 stars). 2 submissions from 2 submitters: Uncertain significance (2). Last evaluated 2024-06-04.

Conditions:
Duchenne muscular dystrophy (DMD). Also called: Duchenne Muscular Dystrophy (DMD); MUSCULAR DYSTROPHY, PSEUDOHYPERTROPHIC PROGRESSIVE, DUCHENNE TYPE. Identifiers: Orphanet 98896, MedGen C0013264, MONDO:0010679, OMIM 310200.

gnomAD v4.1: 3 of 1,211,452 alleles (0.00025%); highest among the groups gnomAD compares: African/African-American, 0.0035%; no homozygotes.

Submissions (2):

GeneDx
Classification: Uncertain significance. Last evaluated: 2024-06-04. Review status: criteria provided, single submitter. Criteria: GeneDx Variant Classification Process June 2021. Collection method: clinical testing. Allele origin: germline. Affected: yes.
Comment: Has not been previously published as pathogenic or benign to our knowledge; Not observed at significant frequency in large population cohorts (gnomAD); Missense variant in a gene in which most reported pathogenic variants are truncating/loss of function; In silico analysis supports that this missense variant has a deleterious effect on protein structure/function

Labcorp Genetics (formerly Invitae), Labcorp
Classification: Uncertain significance for Duchenne muscular dystrophy. Last evaluated: 2024-03-25. Review status: criteria provided, single submitter. Criteria: Invitae Variant Classification Sherloc (09022015). Collection method: clinical testing. Allele origin: germline.
Comment: This sequence change replaces glutamic acid, which is acidic and polar, with valine, which is neutral and non-polar, at codon 2914 of the DMD protein (p.Glu2914Val). This variant is present in population databases (rs148950131, gnomAD 0.008%). This variant has not been reported in the literature in individuals affected with DMD-related conditions. Advanced modeling of protein sequence and biophysical properties (such as structural, functional, and spatial information, amino acid conservation, physicochemical variation, residue mobility, and thermodynamic stability) performed at Invitae indicates that this missense variant is not expected to disrupt DMD protein function with a negative predictive value of 95%. In summary, the available evidence is currently insufficient to determine the role of this variant in disease. Therefore, it has been classified as a Variant of Uncertain Significance.

NM_004006.3(DMD):c.8741A>T (p.Glu2914Val)

Gene: DMD (dystrophin; minus strand). Cytogenetic location: Xp21.2.
Variant type: single nucleotide variant.
Coding change: c.8741A>T on transcript NM_004006.3 (MANE Select); coding-DNA position 8741, A replaced by T.
Protein change: p.Glu2914Val; replaces glutamic acid 2914 with valine.
Molecular consequence: missense variant.
Genome position (GRCh38, 1-based): chrX:31,478,302, T>A on the plus strand (A>T on the coding strand, the complement: DMD is on the minus strand). VCF-style: chrX-31478302-T-A. GRCh37 (hg19) VCF-style: chrX-31496419-T-A.
Other names: c.8717A>T, p.Glu2906Val (NM_000109.4); c.8729A>T, p.Glu2910Val (NM_004009.3); c.8372A>T, p.Glu2791Val (NM_004010.3); c.4718A>T, p.Glu1573Val (NM_004011.4); c.4709A>T, p.Glu1570Val (NM_004012.4); c.1361A>T, p.Glu454Val (NM_004013.3, NM_004020.4, NM_004021.3 and 2 more transcripts); c.554A>T, p.Glu185Val (NM_004014.3); short protein forms E1570V, E1573V, E185V, E2791V, E2906V, E2910V, E2914V, E454V.
Identifiers: ClinVar variation 3384659 (VCV003384659.3).
Genomic context (GRCh38, chrX:31,478,302, plus strand): 5'-TCAAGGGTCTCATCTATTTTTCTCTGCCAGTCAGCGGAGTGCAGGTTCAATTTTTCCCAC[T>A]CAGTATTGACCTCCTCAGCCTGCTTTCGTAGAAGCCGAGTGACATTCTGGGCTCTCTCCT-3'
Protein context (NP_003997.2, residues 2904-2924): LRKQAEEVNT[Glu2914Val]WEKLNLHSAD